The following is an entry in ClinVar:

ClinVar aggregate classification (germline): Pathogenic (1 of 4 stars; one submission).

Conditions:
Neurofibromatosis, type 1 (NF1). Also called: Peripheral type neurofibromatosis; Neurofibromatosis, type I; NEUROFIBROMATOSIS, TYPE I, SOMATIC; VON RECKLINGHAUSEN DISEASE. Identifiers: Orphanet 636, MedGen C0027831, MONDO:0018975, OMIM 162200. Disease mechanism: loss of function.

Submission:

Labcorp Genetics (formerly Invitae), Labcorp
Classification: Pathogenic for Neurofibromatosis, type 1. Last evaluated: 2024-04-10. Review status: criteria provided, single submitter. Criteria: Invitae Variant Classification Sherloc (09022015). Collection method: clinical testing. Allele origin: germline.
Comment: This sequence change replaces leucine, which is neutral and non-polar, with arginine, which is basic and polar, at codon 1183 of the NF1 protein (p.Leu1183Arg). This variant is not present in population databases (gnomAD no frequency). This missense change has been observed in individual(s) with neurofibromatosis type 1 (PMID: 25541118, 31717729). In at least one individual the variant was observed to be de novo. ClinVar contains an entry for this variant (Variation ID: 1364528). Advanced modeling of protein sequence and biophysical properties (such as structural, functional, and spatial information, amino acid conservation, physicochemical variation, residue mobility, and thermodynamic stability) performed at Invitae indicates that this missense variant is expected to disrupt NF1 protein function with a positive predictive value of 95%. For these reasons, this variant has been classified as Pathogenic.

Literature cited by the submitters: PubMed 25541118; PubMed 31717729.

NM_001042492.3(NF1):c.3548T>G (p.Leu1183Arg)

Gene: NF1 (neurofibromin 1; plus strand). Cytogenetic location: 17q11.2.
Variant type: single nucleotide variant.
Coding change: c.3548T>G on transcript NM_001042492.3 (MANE Select); coding-DNA position 3548, T replaced by G.
Protein change: p.Leu1183Arg; replaces leucine 1183 with arginine.
Molecular consequence: missense variant.
Genome position (GRCh38, 1-based): chr17:31,233,053, T>G. VCF-style: chr17-31233053-T-G. GRCh37 (hg19) VCF-style: chr17-29560071-T-G.
Other names: c.3548T>G, p.Leu1183Arg (NM_000267.4); short protein forms L1183R.
Identifiers: ClinVar variation 1364528 (VCV001364528.8), dbSNP rs1555615028, ClinGen allele CA398989982.
Genomic context (GRCh38, chr17:31,233,053, plus strand): 5'-CCACATTAGGCTTAGGTTACCACAAGGATCTCCAGACAAGAGCTACATTTATGGAAGTTC[T>G]GACAAAAATCCTTCAACAAGGCACAGAATTTGACACACTTGCAGAAACAGTATTGGCTGA-3'
Protein context (NP_001035957.1, residues 1173-1193): LQTRATFMEV[Leu1183Arg]TKILQQGTEF